The following is an entry in ClinVar:

ClinVar aggregate classification (germline): Conflicting classifications of pathogenicity. Review status: criteria provided, conflicting classifications (1 of 4 stars). 6 submissions from 6 submitters: Uncertain significance (4); Likely benign (1). 1 of the submissions does not count toward it. Last evaluated 2025-12-12.

Conditions:
Alstrom syndrome (ALMS). Identifiers: Orphanet 64, MedGen C0268425, MONDO:0008763, OMIM 203800.
Cardiovascular phenotype. Identifiers: MedGen CN230736.

Allele frequency attached by ClinVar (database versions not stated): gnomAD 0.00001; gnomAD exomes 0.00002 and 0.00006; ExAC 0.00007; ESP Exome Variant Server 0.00008; 1000 Genomes Project 30x 0.00016; 1000 Genomes Project 0.00020.
gnomAD v4.1: 40 of 1,613,644 alleles (0.0025%); highest among the groups gnomAD compares: South Asian, 0.038%; no homozygotes.

Submissions (6):

Women's Health and Genetics/Laboratory Corporation of America, LabCorp
Classification: Uncertain significance. Last evaluated: 2025-12-12. Review status: criteria provided, single submitter. Criteria: LabCorp Variant Classification Summary - May 2015. Collection method: clinical testing. Allele origin: germline.
Comment: Variant summary: ALMS1 c.6503C>T (p.Ser2168Leu) results in a non-conservative amino acid change in the encoded protein sequence. Algorithms developed to predict the effect of missense changes on protein structure and function are either unavailable or do not agree on the potential impact of this missense change. The variant allele was found at a frequency of 6e-05 in 247958 control chromosomes. This frequency is not significantly higher than estimated for disease-causing variants in ALMS1, allowing no conclusion about variant significance. c.6503C>T has been observed in individual(s) affected with Congenital Nephrotic Syndrome, without strong evidence for causality. These report(s) do not provide unequivocal conclusions about association of the variant with Alstrom syndrome. To our knowledge, no experimental evidence demonstrating an impact on protein function has been reported. The following publication has been ascertained in the context of this evaluation (PMID: 33980730). ClinVar contains an entry for this variant (Variation ID: 529382). Based on the evidence outlined above, the variant was classified as uncertain significance.

Ambry Genetics
Classification: Likely benign for Cardiovascular phenotype. Last evaluated: 2024-08-26. Review status: criteria provided, single submitter. Criteria: Ambry Variant Classification Scheme 2023. Collection method: clinical testing. Allele origin: germline.

Labcorp Genetics (formerly Invitae), Labcorp
Classification: Uncertain significance for Alstrom syndrome. Last evaluated: 2022-10-27. Review status: criteria provided, single submitter. Criteria: Invitae Variant Classification Sherloc (09022015). Collection method: clinical testing. Allele origin: germline.
Comment: This sequence change replaces serine, which is neutral and polar, with leucine, which is neutral and non-polar, at codon 2170 of the ALMS1 protein (p.Ser2170Leu). This variant is present in population databases (rs368833782, gnomAD 0.05%). This variant has not been reported in the literature in individuals affected with ALMS1-related conditions. ClinVar contains an entry for this variant (Variation ID: 529382). Experimental studies and prediction algorithms are not available or were not evaluated, and the functional significance of this variant is currently unknown. In summary, the available evidence is currently insufficient to determine the role of this variant in disease. Therefore, it has been classified as a Variant of Uncertain Significance.

GeneDx
Classification: Uncertain significance. Last evaluated: 2022-09-27. Review status: criteria provided, single submitter. Criteria: GeneDx Variant Classification Process June 2021. Collection method: clinical testing. Allele origin: germline. Affected: yes.
Comment: In silico analysis supports that this missense variant has a deleterious effect on protein structure/function; Has not been previously published as pathogenic or benign to our knowledge

Fulgent Genetics
Classification: Uncertain significance for Alstrom syndrome. Last evaluated: 2021-11-29. Review status: criteria provided, single submitter. Criteria: ACMG Guidelines, 2015. Collection method: clinical testing. Allele origin: unknown.

Natera, Inc.
Classification: Uncertain significance for Alstrom syndrome. Last evaluated: 2021-10-19. Review status: no assertion criteria provided. Collection method: clinical testing. Allele origin: germline. Not counted in ClinVar's aggregate classification.

Literature cited by the submitters: PubMed 33980730 (cited by Women's Health and Genetics/Laboratory Corporation of America, LabCorp).

NM_001378454.1(ALMS1):c.6506C>T (p.Ser2169Leu)

Gene: ALMS1 (ALMS1 centrosome and basal body associated protein; plus strand). Cytogenetic location: 2p13.1.
Variant type: single nucleotide variant.
Coding change: c.6506C>T on transcript NM_001378454.1 (MANE Select); coding-DNA position 6506, C replaced by T.
Protein change: p.Ser2169Leu; replaces serine 2169 with leucine.
Molecular consequence: missense variant.
Genome position (GRCh38, 1-based): chr2:73,453,033, C>T. VCF-style: chr2-73453033-C-T. GRCh37 (hg19) VCF-style: chr2-73680160-C-T.
Other names: c.6509C>T, p.Ser2170Leu (NM_015120.4); short protein forms S2170L, S2169L.
Identifiers: ClinVar variation 529382 (VCV000529382.10), dbSNP rs368833782, ClinGen allele CA1714074.